The following is an entry in ClinVar:

NM_007194.4(CHEK2):c.1387G>A (p.Val463Ile)

Gene: CHEK2 (checkpoint kinase 2; minus strand). Cytogenetic location: 22q12.1.
Variant type: single nucleotide variant.
Coding change: c.1387G>A on transcript NM_007194.4 (MANE Select); coding-DNA position 1387, G replaced by A.
Protein change: p.Val463Ile; replaces valine 463 with isoleucine.
Molecular consequence: missense variant.
Genome position (GRCh38, 1-based): chr22:28,694,106, C>T on the plus strand (G>A on the coding strand, the complement: CHEK2 is on the minus strand). VCF-style: chr22-28694106-C-T. GRCh37 (hg19) VCF-style: chr22-29090094-C-T.
Other names: c.1516G>A, p.Val506Ile (NM_001005735.3); c.724G>A, p.Val242Ile (NM_001257387.3); c.1186G>A, p.Val396Ile (NM_001349956.3); c.1300G>A, p.Val434Ile (NM_145862.3); short protein forms V396I, V463I, V434I, V242I, V506I.
Identifiers: ClinVar variation 2452079 (VCV002452079.5), dbSNP rs1555913172, ClinGen allele CA411094516.
Genomic context (GRCh38, chr22:28,694,106, plus strand): 5'-GTCTTAAGGCTTCTTCTGTCGTAAAACGTGCCTTTGGATCCACTACCAACAACTTCTTGA[C>T]AAGGTCCAGAGCTAAAGCAACAATTGGGCAAATCACAGTGAAAAGGATAAATATATTATC-3'
Protein context (NP_009125.1, residues 453-473): AEVSEKALDL[Val463Ile]KKLLVVDPKA

ClinVar aggregate classification (germline): Uncertain significance. Review status: criteria provided, multiple submitters, no conflicts (2 of 4 stars). 2 submissions from 2 submitters: Uncertain significance (2). Last evaluated 2023-07-16.

Conditions:
Familial cancer of breast. Also called: BREAST CANCER, FAMILIAL; Hereditary breast cancer; hereditary breast carcinoma. Identifiers: Orphanet 227535, MedGen C0346153, MONDO:0016419, OMIM 114480. Disease mechanism: loss of function.
Hereditary cancer-predisposing syndrome. Also called: Neoplastic Syndromes, Hereditary; Tumor predisposition; Hereditary neoplastic syndrome; Hereditary Cancer Syndrome. Identifiers: Orphanet 140162, MedGen C0027672, MeSH D009386, MONDO:0015356.

Submissions (2):

Labcorp Genetics (formerly Invitae), Labcorp
Classification: Uncertain significance for Familial cancer of breast. Last evaluated: 2023-07-16. Review status: criteria provided, single submitter. Criteria: Invitae Variant Classification Sherloc (09022015). Collection method: clinical testing. Allele origin: germline.
Comment: In summary, the available evidence is currently insufficient to determine the role of this variant in disease. Therefore, it has been classified as a Variant of Uncertain Significance. Algorithms developed to predict the effect of missense changes on protein structure and function output the following: SIFT: "Not Available"; PolyPhen-2: "Benign"; Align-GVGD: "Not Available". The isoleucine amino acid residue is found in multiple mammalian species, which suggests that this missense change does not adversely affect protein function. ClinVar contains an entry for this variant (Variation ID: 2452079). This variant has not been reported in the literature in individuals affected with CHEK2-related conditions. This variant is not present in population databases (gnomAD no frequency). This sequence change replaces valine, which is neutral and non-polar, with isoleucine, which is neutral and non-polar, at codon 463 of the CHEK2 protein (p.Val463Ile).

Ambry Genetics
Classification: Uncertain significance for Hereditary cancer-predisposing syndrome. Last evaluated: 2023-01-27. Review status: criteria provided, single submitter. Criteria: Ambry Variant Classification Scheme 2023. Collection method: clinical testing. Allele origin: germline.
Comment: The p.V463I variant (also known as c.1387G>A), located in coding exon 12 of the CHEK2 gene, results from a G to A substitution at nucleotide position 1387. The valine at codon 463 is replaced by isoleucine, an amino acid with highly similar properties. This amino acid position is highly conserved in available vertebrate species. In addition, this alteration is predicted to be tolerated by in silico analysis. Since supporting evidence is limited at this time, the clinical significance of this alteration remains unclear.